The following is an entry in ClinVar:

NM_000222.3(KIT):c.1151G>A (p.Gly384Asp)

Gene: KIT (KIT proto-oncogene, receptor tyrosine kinase; plus strand). Cytogenetic location: 4q12.
Variant type: single nucleotide variant.
Coding change: c.1151G>A on transcript NM_000222.3 (MANE Select); coding-DNA position 1151, G replaced by A.
Protein change: p.Gly384Asp; replaces glycine 384 with aspartic acid.
Molecular consequence: missense variant.
Genome position (GRCh38, 1-based): chr4:54,709,459, G>A. VCF-style: chr4-54709459-G-A. GRCh37 (hg19) VCF-style: chr4-55575625-G-A.
Other names: c.1151G>A, p.Gly384Asp (NM_001093772.2, NM_001385285.1, NM_001385286.1); c.1154G>A, p.Gly385Asp (NM_001385284.1, NM_001385288.1, NM_001385290.1 and 1 more transcripts); short protein forms G384D, G385D.
Identifiers: ClinVar variation 3714296 (VCV003714296.2).

ClinVar aggregate classification (germline): Uncertain significance (1 of 4 stars; one submission).

Conditions:
Gastrointestinal stromal tumor. Also called: Gastrointestinal stromal tumor, somatic; Gastrointestinal stroma tumor. Identifiers: Orphanet 44890, MedGen C0238198, MeSH D046152, MONDO:0011719, OMIM 606764, HP:0100723.

gnomAD v4.1: 1 of 1,613,566 alleles (0.000062%); highest among the groups gnomAD compares: African/African-American, 0.0013%; no homozygotes.

Submission:

Labcorp Genetics (formerly Invitae), Labcorp
Classification: Uncertain significance for Gastrointestinal stromal tumor. Last evaluated: 2024-05-08. Review status: criteria provided, single submitter. Criteria: Invitae Variant Classification Sherloc (09022015). Collection method: clinical testing. Allele origin: germline.
Comment: This sequence change replaces glycine, which is neutral and non-polar, with aspartic acid, which is acidic and polar, at codon 384 of the KIT protein (p.Gly384Asp). This variant is not present in population databases (gnomAD no frequency). This variant has not been reported in the literature in individuals affected with KIT-related conditions. Algorithms developed to predict the effect of missense changes on protein structure and function output the following: SIFT: "Not Available"; PolyPhen-2: "Possibly Damaging"; Align-GVGD: "Not Available". The aspartic acid amino acid residue is found in multiple mammalian species, which suggests that this missense change does not adversely affect protein function. In summary, the available evidence is currently insufficient to determine the role of this variant in disease. Therefore, it has been classified as a Variant of Uncertain Significance.